The following is an entry in ClinVar:

Conditions:
Long QT syndrome 5 (LQT5). Identifiers: Orphanet 101016, Orphanet 768, MedGen C1867904, MONDO:0013372, OMIM 613695.

Submission:

Roden Lab, Vanderbilt University Medical Center
No classification provided (evidence only). Condition: Long QT syndrome 5. Review status: no classification provided. Collection method: in vitro. Allele origin: not applicable. Functional consequence: Effect on ion channel function.
ClinVar note: "not provided" was previously submitted as the classification for the variant. However, the classification appeared to be based only on an observation of functional data so it was converted to no classification on 2025-07-30.

NM_000219.6(KCNE1):c.117C>A (p.Asp39Glu)

Gene: KCNE1 (potassium voltage-gated channel subfamily E regulatory subunit 1; minus strand). Cytogenetic location: 21q22.12.
Variant type: single nucleotide variant.
Coding change: c.117C>A on transcript NM_000219.6 (MANE Select); coding-DNA position 117, C replaced by A.
Protein change: p.Asp39Glu; replaces aspartic acid 39 with glutamic acid.
Molecular consequence: missense variant.
Genome position (GRCh38, 1-based): chr21:34,449,518, G>T on the plus strand (C>A on the coding strand, the complement: KCNE1 is on the minus strand). VCF-style: chr21-34449518-G-T. GRCh37 (hg19) VCF-style: chr21-35821816-G-T.
Other names: c.117C>A, p.Asp39Glu (NM_001127668.4, NM_001127669.4, NM_001127670.4 and 4 more transcripts); short protein forms D39E.
Identifiers: ClinVar variation 3374088 (VCV003374088.2).
Genomic context (GRCh38, chr21:34,449,518, plus strand): 5'-CAGGGTGAAGAAGCCGAAGAATCCCAGTACCATGAGGACGTAGAGGGCCTCCAGCTTGCC[G>T]TCACTGCTGCGGGGGGACCTGCGGGCCAGGCCCGACATGTTGCCACCCTGCTGAACTGTC-3'
Protein context (NP_000210.2, residues 29-49): GLARRSPRSS[Asp39Glu]GKLEALYVLM